The following is an entry in ClinVar:

ClinVar aggregate classification (germline): Uncertain significance (1 of 4 stars; one submission).

Allele frequency attached by ClinVar (database versions not stated): gnomAD exomes below 0.00001; TOPMed 0.00002.
gnomAD v4.1: 2 of 1,606,748 alleles (0.00012%); highest among the groups gnomAD compares: Non-Finnish European, 0.000085%; no homozygotes.

Submission:

Labcorp Genetics (formerly Invitae), Labcorp
Classification: Uncertain significance. Last evaluated: 2021-12-16. Review status: criteria provided, single submitter. Criteria: Invitae Variant Classification Sherloc (09022015). Collection method: clinical testing. Allele origin: germline.
Comment: This sequence change replaces glutamic acid, which is acidic and polar, with glycine, which is neutral and non-polar, at codon 4369 of the ADGRV1 protein (p.Glu4369Gly). This variant is present in population databases (no rsID available, gnomAD 0.0009%). This variant has not been reported in the literature in individuals affected with ADGRV1-related conditions. Algorithms developed to predict the effect of missense changes on protein structure and function are either unavailable or do not agree on the potential impact of this missense change (SIFT: "Deleterious"; PolyPhen-2: "Benign"; Align-GVGD: "Class C0"). In summary, the available evidence is currently insufficient to determine the role of this variant in disease. Therefore, it has been classified as a Variant of Uncertain Significance.

NM_032119.4(ADGRV1):c.13106A>G (p.Glu4369Gly)

Gene: ADGRV1 (adhesion G protein-coupled receptor V1; plus strand). Cytogenetic location: 5q14.3.
Variant type: single nucleotide variant.
Coding change: c.13106A>G on transcript NM_032119.4 (MANE Select); coding-DNA position 13106, A replaced by G.
Protein change: p.Glu4369Gly; replaces glutamic acid 4369 with glycine.
Molecular consequence: missense variant. On other transcripts: non-coding transcript variant (1).
Genome position (GRCh38, 1-based): chr5:90,781,453, A>G. VCF-style: chr5-90781453-A-G. GRCh37 (hg19) VCF-style: chr5-90077270-A-G.
Other names: short protein forms E4369G.
Identifiers: ClinVar variation 1360665 (VCV001360665.3), dbSNP rs1240310608, ClinGen allele CA360391712.